The following is an entry in ClinVar:

NM_000124.4(ERCC6):c.385G>A (p.Val129Met)

Gene: ERCC6 (ERCC excision repair 6, chromatin remodeling factor; minus strand). Cytogenetic location: 10q11.23.
Variant type: single nucleotide variant.
Coding change: c.385G>A on transcript NM_000124.4 (MANE Select); coding-DNA position 385, G replaced by A.
Protein change: p.Val129Met; replaces valine 129 with methionine.
Molecular consequence: missense variant.
Genome position (GRCh38, 1-based): chr10:49,532,580, C>T on the plus strand (G>A on the coding strand, the complement: ERCC6 is on the minus strand). VCF-style: chr10-49532580-C-T. GRCh37 (hg19) VCF-style: chr10-50740626-C-T.
Other names: c.385G>A, p.Val129Met (NM_001277058.2, NM_001277059.2, NM_001346440.2); short protein forms V129M.
Identifiers: ClinVar variation 703883 (VCV000703883.26), dbSNP rs116360202, ClinGen allele CA5496561.
Genomic context (GRCh38, chr10:49,532,580, plus strand): 5'-GGAAGAAGATGGGCTGCACTCACGTGAGGTCATCCAGGACCGACCGATACTCCTTCTCCA[C>T]GTCAACGAGCTGGGAGGCACGGCTGGCCTCATGGATGGCATTGTCCACCTGCTGAAGCAC-3'
Protein context (NP_000115.1, residues 119-139): EASRASQLVD[Val129Met]EKEYRSVLDD

ClinVar aggregate classification (germline): Benign/Likely benign. Review status: criteria provided, multiple submitters, no conflicts (2 of 4 stars). 3 submissions from 3 submitters: Benign (1); Likely benign (2). Last evaluated 2026-02-02.

Allele frequency attached by ClinVar (database versions not stated): ESP Exome Variant Server 0.00015; gnomAD 0.00038 and 0.00046; TOPMed 0.00052; 1000 Genomes Project 30x 0.00109; ExAC 0.00115; 1000 Genomes Project 0.00140.

Submissions (3):

Labcorp Genetics (formerly Invitae), Labcorp
Classification: Benign. Last evaluated: 2026-02-02. Review status: criteria provided, single submitter. Criteria: Invitae Variant Classification Sherloc (09022015). Collection method: clinical testing. Allele origin: germline.

Blueprint Genetics
Classification: Likely benign. Last evaluated: 2024-11-15. Review status: criteria provided, single submitter. Criteria: ACMG Guidelines, 2015. Collection method: clinical testing. Allele origin: germline.

CeGaT Center for Human Genetics Tuebingen
Classification: Likely benign. Last evaluated: 2024-09-01. Review status: criteria provided, single submitter. Criteria: CeGaT Center For Human Genetics Tuebingen Variant Classification Criteria Version 2. Collection method: clinical testing. Allele origin: germline. Affected: yes. Observed: 1 variant allele.
Comment: ERCC6: BP4, BS2